The following is an entry in ClinVar:

NM_001267550.2(TTN):c.107661G>A (p.Met35887Ile)

Genes: TTN-AS1 (TTN antisense RNA 1; plus strand), TTN (titin; minus strand). Cytogenetic location: 2q31.2.
Variant type: single nucleotide variant.
Coding change: c.107661G>A on transcript NM_001267550.2 (MANE Select); coding-DNA position 107661, G replaced by A.
Protein change: p.Met35887Ile; replaces methionine 35887 with isoleucine.
Molecular consequence: missense variant.
Genome position (GRCh38, 1-based): chr2:178,527,465, C>T on the plus strand (G>A on the coding strand, the complement: TTN is on the minus strand). VCF-style: chr2-178527465-C-T. GRCh37 (hg19) VCF-style: chr2-179392192-C-T.
Other names: c.102738G>A, p.Met34246Ile (NM_001256850.1); c.80466G>A, p.Met26822Ile (NM_003319.4); c.99957G>A, p.Met33319Ile (NM_133378.4); c.80841G>A, p.Met26947Ile (NM_133432.3); c.81042G>A, p.Met27014Ile (NM_133437.4); short protein forms M26947I, M27014I, M35887I, M26822I, M33319I, M34246I.
Identifiers: ClinVar variation 1440799 (VCV001440799.8), dbSNP rs764323200, ClinGen allele CA1984916.

ClinVar aggregate classification (germline): Uncertain significance. Review status: criteria provided, multiple submitters, no conflicts (2 of 4 stars). 2 submissions from 2 submitters: Uncertain significance (2). Last evaluated 2025-10-15.

Conditions:
Dilated cardiomyopathy 1G (CMD1G). Identifiers: Orphanet 154, MedGen C1858763, MONDO:0011400, OMIM 604145.
Autosomal recessive limb-girdle muscular dystrophy type 2J (LGMDR10). Also called: MUSCULAR DYSTROPHY, LIMB-GIRDLE, AUTOSOMAL RECESSIVE 10; Limb-girdle muscular dystrophy, type 2J. Identifiers: Orphanet 140922, MedGen C1837342, MONDO:0012127, OMIM 608807.
Cardiovascular phenotype. Identifiers: MedGen CN230736.

Allele frequency attached by ClinVar (database versions not stated): gnomAD exomes below 0.00001; ExAC 0.00001; gnomAD 0.00001; TOPMed 0.00002.
gnomAD v4.1: 1 of 1,613,566 alleles (0.000062%); highest among the groups gnomAD compares: African/African-American, 0.0013%; no homozygotes.

Submissions (2):

Labcorp Genetics (formerly Invitae), Labcorp
Classification: Uncertain significance for Dilated cardiomyopathy 1G; Autosomal recessive limb-girdle muscular dystrophy type 2J. Last evaluated: 2025-10-15. Review status: criteria provided, single submitter. Criteria: Invitae Variant Classification Sherloc (09022015). Collection method: clinical testing. Allele origin: germline.
Comment: This sequence change replaces methionine, which is neutral and non-polar, with isoleucine, which is neutral and non-polar, at codon 35887 of the TTN protein (p.Met35887Ile). This variant is present in population databases (rs764323200, gnomAD 0.007%). This variant has not been reported in the literature in individuals affected with TTN-related conditions. ClinVar contains an entry for this variant (Variation ID: 1440799). Experimental studies and prediction algorithms are not available or were not evaluated, and the functional significance of this variant is currently unknown. This variant is located in the M band of TTN (PMID: 25589632). Non-truncating variants in this region may be relevant for neuromuscular disorders, but have not been definitively shown to cause cardiomyopathy (PMID: 23975875). In summary, the available evidence is currently insufficient to determine the role of this variant in disease. Therefore, it has been classified as a Variant of Uncertain Significance.

Ambry Genetics
Classification: Uncertain significance for Cardiovascular phenotype. Last evaluated: 2019-05-28. Review status: criteria provided, single submitter. Criteria: Ambry Variant Classification Scheme 2023. Collection method: clinical testing. Allele origin: germline.
Comment: The p.M26822I variant (also known as c.80466G>A), located in coding exon 189 of the TTN gene, results from a G to A substitution at nucleotide position 80466. The methionine at codon 26822 is replaced by isoleucine, an amino acid with highly similar properties. This amino acid position is highly conserved in available vertebrate species. In addition, this alteration is predicted to be tolerated by in silico analysis. Since supporting evidence is limited at this time, the clinical significance of this alteration remains unclear.

Literature cited by the submitters: PubMed 25589632 (cited by Labcorp Genetics (formerly Invitae), Labcorp); PubMed 23975875 (cited by Labcorp Genetics (formerly Invitae), Labcorp).